The following is an entry in ClinVar:

NM_175914.5(HNF4A):c.714G>C (p.Glu238Asp)

Gene: HNF4A (hepatocyte nuclear factor 4 alpha; plus strand). Cytogenetic location: 20q13.12.
Variant type: single nucleotide variant.
Coding change: c.714G>C on transcript NM_175914.5 (MANE Select); coding-DNA position 714, G replaced by C.
Protein change: p.Glu238Asp; replaces glutamic acid 238 with aspartic acid.
Molecular consequence: missense variant.
Genome position (GRCh38, 1-based): chr20:44,419,764, G>C. VCF-style: chr20-44419764-G-C. GRCh37 (hg19) VCF-style: chr20-43048404-G-C.
Other names: c.780G>C, p.Glu260Asp (NM_000457.6, NM_178849.3, NM_178850.3); c.714G>C, p.Glu238Asp (NM_001030003.3, NM_001030004.3); c.759G>C, p.Glu253Asp (NM_001258355.2); c.705G>C, p.Glu235Asp (NM_001287182.2, NM_001287183.2, NM_001287184.2); short protein forms E235D, E238D, E253D, E260D.
Identifiers: ClinVar variation 1675194 (VCV001675194.3), dbSNP rs1259110384, ClinGen allele CA409107406.

ClinVar aggregate classification (germline): Uncertain significance. Review status: criteria provided, multiple submitters, no conflicts (2 of 4 stars). 2 submissions from 2 submitters: Uncertain significance (2). Last evaluated 2021-12-10.

Conditions:
Fanconi renotubular syndrome 4 with maturity-onset diabetes of the young (FRTS4). Also called: FRTS4 WITH MODY. Identifiers: Orphanet 93111, MedGen C4014962, MONDO:0014458, OMIM 616026.
Maturity-onset diabetes of the young type 1. Also called: MILD JUVENILE DIABETES MELLITUS; HNF4A-Related Maturity-Onset Diabetes of the Young Type 1; MODY type 1; Diabetes mellitus MODY type 1; MODY HNF4A related; MODY, type I. Identifiers: Orphanet 552, MedGen C1852093, MONDO:0007452, OMIM 125850. Disease mechanism: loss of function.
Type 2 diabetes mellitus. Also called: Type II diabetes mellitus. Identifiers: MedGen C0011860, MeSH D003924, MONDO:0005148, OMIM 125853, HP:0005978.

Allele frequency attached by ClinVar (database versions not stated): gnomAD 0.00001; TOPMed 0.00001.

Submissions (2):

Centre of Medical Genetics, University Hospital Muenster
Classification: Uncertain significance for Fanconi renotubular syndrome 4 with maturity-onset diabetes of the young. Last evaluated: 2021-12-10. Review status: criteria provided, single submitter. Criteria: ACMG Guidelines, 2015. Collection method: clinical testing. Allele origin: germline. Affected: yes. Observed: 1 variant allele, 1 heterozygote.
Comment: ACMG categories: PM2,PP3,BP1

Fulgent Genetics
Classification: Uncertain significance for Maturity-onset diabetes of the young type 1; Type 2 diabetes mellitus; Fanconi renotubular syndrome 4 with maturity-onset diabetes of the young. Last evaluated: 2021-11-30. Review status: criteria provided, single submitter. Criteria: ACMG Guidelines, 2015. Collection method: clinical testing. Allele origin: unknown.